The following is an entry in ClinVar:

NM_001374828.1(ARID1B):c.652T>G (p.Ser218Ala)

Genes: ARID1B (AT-rich interaction domain 1B; plus strand), LOC115308161 (uncharacterized LOC115308161; minus strand). Cytogenetic location: 6q25.3.
Variant type: single nucleotide variant.
Coding change: c.652T>G on transcript NM_001374828.1 (MANE Select); coding-DNA position 652, T replaced by G.
Protein change: p.Ser218Ala; replaces serine 218 with alanine.
Molecular consequence: missense variant. On other transcripts: non-coding transcript variant (1).
Genome position (GRCh38, 1-based): chr6:156,778,332, T>G. VCF-style: chr6-156778332-T-G. GRCh37 (hg19) VCF-style: chr6-157099466-T-G.
Other names: c.652T>G, p.Ser218Ala (NM_001371656.1, NM_001374820.1, NM_001438482.1 and 9 more transcripts); short protein forms S218A.
Identifiers: ClinVar variation 4535744 (VCV004535744.2).

ClinVar aggregate classification (germline): Uncertain significance. Review status: criteria provided, multiple submitters, no conflicts (2 of 4 stars). 2 submissions from 2 submitters: Uncertain significance (2). Last evaluated 2025-09-05.

Submissions (2):

Women's Health and Genetics/Laboratory Corporation of America, LabCorp
Classification: Uncertain significance. Last evaluated: 2025-09-05. Review status: criteria provided, single submitter. Criteria: LabCorp Variant Classification Summary - May 2015. Collection method: clinical testing. Allele origin: germline.
Comment: Variant summary: ARID1B c.652T>G (p.Ser218Ala) results in a conservative amino acid change in the encoded protein sequence. Algorithms developed to predict the effect of missense changes on protein structure and function all suggest that this variant is likely to be tolerated. The variant was absent in 137386 control chromosomes. The available data on variant occurrences in the general population are insufficient to allow any conclusion about variant significance. To our knowledge, no occurrence of c.652T>G in individuals affected with ARID1B-related conditions and no experimental evidence demonstrating its impact on protein function have been reported. No submitters have cited clinical-significance assessments for this variant to ClinVar. Based on the evidence outlined above, the variant was classified as uncertain significance.

Labcorp Genetics (formerly Invitae), Labcorp
Classification: Uncertain significance. Last evaluated: 2025-06-29. Review status: criteria provided, single submitter. Criteria: Invitae Variant Classification Sherloc (09022015). Collection method: clinical testing. Allele origin: germline.
Comment: This sequence change replaces serine, which is neutral and polar, with alanine, which is neutral and non-polar, at codon 135 of the ARID1B protein (p.Ser135Ala). This variant is not present in population databases (gnomAD no frequency). This variant has not been reported in the literature in individuals affected with ARID1B-related conditions. Invitae Evidence Modeling of protein sequence and biophysical properties (such as structural, functional, and spatial information, amino acid conservation, physicochemical variation, residue mobility, and thermodynamic stability) indicates that this missense variant is not expected to disrupt ARID1B protein function with a negative predictive value of 95%. In summary, the available evidence is currently insufficient to determine the role of this variant in disease. Therefore, it has been classified as a Variant of Uncertain Significance.